The following is an entry in ClinVar:

NM_001165963.4(SCN1A):c.2862G>T (p.Glu954Asp)

Gene: SCN1A (sodium voltage-gated channel alpha subunit 1; minus strand). Cytogenetic location: 2q24.3.
Variant type: single nucleotide variant.
Coding change: c.2862G>T on transcript NM_001165963.4 (MANE Select); coding-DNA position 2862, G replaced by T.
Protein change: p.Glu954Asp; replaces glutamic acid 954 with aspartic acid.
Molecular consequence: missense variant. On other transcripts: non-coding transcript variant (1).
Genome position (GRCh38, 1-based): chr2:166,037,860, C>A on the plus strand (G>T on the coding strand, the complement: SCN1A is on the minus strand). VCF-style: chr2-166037860-C-A. GRCh37 (hg19) VCF-style: chr2-166894370-C-A.
Other names: c.2778G>T, p.Glu926Asp (NM_001165964.3, NM_001353957.2, NM_001353958.2); c.2862G>T, p.Glu954Asp (NM_001202435.3, NM_001353948.2); c.2829G>T, p.Glu943Asp (NM_001353949.2, NM_001353950.2, NM_001353951.2 and 2 more transcripts); c.2826G>T, p.Glu942Asp (NM_001353954.2, NM_001353955.2); c.2775G>T, p.Glu925Asp (NM_001353960.2); c.420G>T, p.Glu140Asp (NM_001353961.2); short protein forms E954D, E943D, E140D, E925D, E926D, E942D.
Identifiers: ClinVar variation 530535 (VCV000530535.9), dbSNP rs1041924436, ClinGen allele CA349061111.

ClinVar aggregate classification (germline): Likely pathogenic (1 of 4 stars; one submission).

Conditions:
Early-infantile DEE. Also called: Early infantile epileptic encephalopathy; Early infantile epileptic encephalopathy with suppression bursts; Ohtahara syndrome. Identifiers: Orphanet 1934, MedGen C0393706, MONDO:0800491.

Submission:

Labcorp Genetics (formerly Invitae), Labcorp
Classification: Likely pathogenic for Early-infantile DEE. Last evaluated: 2022-07-06. Review status: criteria provided, single submitter. Criteria: Invitae Variant Classification Sherloc (09022015). Collection method: clinical testing. Allele origin: germline.
Comment: This sequence change replaces glutamic acid, which is acidic and polar, with aspartic acid, which is acidic and polar, at codon 954 of the SCN1A protein (p.Glu954Asp). This variant is not present in population databases (gnomAD no frequency). This missense change has been observed in individual(s) with clinical features of SCN1A-related conditions (Invitae). ClinVar contains an entry for this variant (Variation ID: 530535). Advanced modeling of protein sequence and biophysical properties (such as structural, functional, and spatial information, amino acid conservation, physicochemical variation, residue mobility, and thermodynamic stability) performed at Invitae indicates that this missense variant is expected to disrupt SCN1A protein function. This variant disrupts the p.Glu954 amino acid residue in SCN1A. Other variant(s) that disrupt this residue have been determined to be pathogenic (PMID: 20110217, 21248271). This suggests that this residue is clinically significant, and that variants that disrupt this residue are likely to be disease-causing. In summary, the currently available evidence indicates that the variant is pathogenic, but additional data are needed to prove that conclusively. Therefore, this variant has been classified as Likely Pathogenic.

Literature cited by the submitters: PubMed 20110217; PubMed 21248271.